The following is an entry in ClinVar:

ClinVar aggregate classification (germline): Benign (1 of 4 stars; one submission).

Allele frequency attached by ClinVar (database versions not stated): gnomAD exomes 0.44260; gnomAD 0.50753; TOPMed 0.51244; 1000 Genomes Project 30x 0.54216; 1000 Genomes Project 0.54253.
gnomAD v4.1: 634,375 of 1,409,904 alleles (45%); highest among the groups gnomAD compares: African/African-American, 63%; 145,102 homozygotes.

Submission:

GeneDx
Classification: Benign. Last evaluated: 2018-06-18. Review status: criteria provided, single submitter. Criteria: GeneDx Variant Classification (06012015). Collection method: clinical testing. Allele origin: germline. Affected: yes.
Comment: This variant is considered likely benign or benign based on one or more of the following criteria: it is a conservative change, it occurs at a poorly conserved position in the protein, it is predicted to be benign by multiple in silico algorithms, and/or has population frequency not consistent with disease.

NM_000426.4(LAMA2):c.5727-72A>G

Gene: LAMA2 (laminin subunit alpha 2; plus strand). Cytogenetic location: 6q22.33.
Variant type: single nucleotide variant.
Coding change: c.5727-72A>G on transcript NM_000426.4 (MANE Select); 72 bases into the intron before coding-DNA position 5727, A replaced by G.
Molecular consequence: intron variant.
Genome position (GRCh38, 1-based): chr6:129,403,749, A>G. VCF-style: chr6-129403749-A-G. GRCh37 (hg19) VCF-style: chr6-129724894-A-G.
Other names: c.5727-72A>G (NM_001079823.2).
Identifiers: ClinVar variation 682927 (VCV000682927.1), dbSNP rs2326817, ClinGen allele CA12207957.
Genomic context (GRCh38, chr6:129,403,749, plus strand): 5'-TCACTATTATTTGGAATTGTCATAGATATATTGGCCATGATCATTTGGAAGCCAGATTTC[A>G]TATAATTAGGACGTTCTTCATTTGAGTACCATTGAGTGCCCTGACATTCCTTTTTTGAAT-3'